The following is an entry in ClinVar:

ClinVar aggregate classification (germline): Uncertain significance. Review status: criteria provided, multiple submitters, no conflicts (2 of 4 stars). 2 submissions from 2 submitters: Uncertain significance (2). Last evaluated 2024-01-18.

gnomAD v4.1: 15 of 1,613,014 alleles (0.00093%); highest among the groups gnomAD compares: Non-Finnish European, 0.0013%; no homozygotes.

Submissions (2):

Labcorp Genetics (formerly Invitae), Labcorp
Classification: Uncertain significance. Last evaluated: 2024-01-18. Review status: criteria provided, single submitter. Criteria: Invitae Variant Classification Sherloc (09022015). Collection method: clinical testing. Allele origin: germline.
Comment: This sequence change replaces arginine, which is basic and polar, with proline, which is neutral and non-polar, at codon 180 of the COL11A2 protein (p.Arg180Pro). This variant is not present in population databases (gnomAD no frequency). This variant has not been reported in the literature in individuals affected with COL11A2-related conditions. Advanced modeling of protein sequence and biophysical properties (such as structural, functional, and spatial information, amino acid conservation, physicochemical variation, residue mobility, and thermodynamic stability) performed at Invitae indicates that this missense variant is not expected to disrupt COL11A2 protein function with a negative predictive value of 95%. In summary, the available evidence is currently insufficient to determine the role of this variant in disease. Therefore, it has been classified as a Variant of Uncertain Significance.

GeneDx
Classification: Uncertain significance. Last evaluated: 2023-10-23. Review status: criteria provided, single submitter. Criteria: GeneDx Variant Classification Process June 2021. Collection method: clinical testing. Allele origin: germline. Affected: yes.
Comment: Not observed at significant frequency in large population cohorts (gnomAD); In silico analysis supports that this missense variant has a deleterious effect on protein structure/function; Has not been previously published as pathogenic or benign to our knowledge

NM_080680.3(COL11A2):c.539G>C (p.Arg180Pro)

Gene: COL11A2 (collagen type XI alpha 2 chain; minus strand). Cytogenetic location: 6p21.32.
Variant type: single nucleotide variant.
Coding change: c.539G>C on transcript NM_080680.3 (MANE Select); coding-DNA position 539, G replaced by C.
Protein change: p.Arg180Pro; replaces arginine 180 with proline.
Molecular consequence: missense variant. On other transcripts: 5 prime UTR variant (3), non-coding transcript variant (1).
Genome position (GRCh38, 1-based): chr6:33,188,429, C>G on the plus strand (G>C on the coding strand, the complement: COL11A2 is on the minus strand). VCF-style: chr6-33188429-C-G. GRCh37 (hg19) VCF-style: chr6-33156206-C-G.
Other names: c.539G>C (NM_080680.2); c.539G>C, p.Arg180Pro (NM_001163771.2, NM_001424108.1, NM_080679.3 and 1 more transcripts); c.-308G>C (NM_001424109.1, NM_001424110.1, NM_001424111.1); short protein forms R180P.
Identifiers: ClinVar variation 2814722 (VCV002814722.4), dbSNP rs142462583, ClinGen allele CA363611411.